The following is an entry in ClinVar:

NM_005263.5(GFI1):c.46C>T (p.His16Tyr)

Gene: GFI1 (growth factor independent 1 transcriptional repressor; minus strand). Cytogenetic location: 1p22.1.
Variant type: single nucleotide variant.
Coding change: c.46C>T on transcript NM_005263.5 (MANE Select); coding-DNA position 46, C replaced by T.
Protein change: p.His16Tyr; replaces histidine 16 with tyrosine.
Molecular consequence: missense variant.
Genome position (GRCh38, 1-based): chr1:92,483,442, G>A on the plus strand (C>T on the coding strand, the complement: GFI1 is on the minus strand). VCF-style: chr1-92483442-G-A. GRCh37 (hg19) VCF-style: chr1-92948999-G-A.
Other names: c.46C>T, p.His16Tyr (NM_001127215.3, NM_001127216.3); c.46C>T (NM_005263.3); short protein forms H16Y.
Identifiers: ClinVar variation 1422577 (VCV001422577.9), dbSNP rs772644896, ClinGen allele CA341150808.
Genomic context (GRCh38, chr1:92,483,442, plus strand): 5'-TAGGCGCCGGTACATTCTCTAAACGGAGGGAATAGTCTGGTCCTGGGGAGCGCGGCTGGT[G>A]GTAGCTGTGAGCCTTCTTGCTTTTGACGAGAAATGAGCGCGGCATGGTGGTCCGGCACTT-3'
Protein context (NP_005254.2, residues 6-26): LVKSKKAHSY[His16Tyr]QPRSPGPDYS

ClinVar aggregate classification (germline): Uncertain significance. Review status: criteria provided, multiple submitters, no conflicts (2 of 4 stars). 2 submissions from 2 submitters: Uncertain significance (2). Last evaluated 2025-06-22.

Conditions:
Neutropenia, severe congenital, 2, autosomal dominant. Identifiers: Orphanet 486, MedGen C2751288, MONDO:0013139, OMIM 613107.

Allele frequency attached by ClinVar (database versions not stated): gnomAD 0.00001.
gnomAD v4.1: 6 of 1,612,920 alleles (0.00037%); highest among the groups gnomAD compares: African/African-American, 0.0027%; no homozygotes.

Submissions (2):

Labcorp Genetics (formerly Invitae), Labcorp
Classification: Uncertain significance for Neutropenia, severe congenital, 2, autosomal dominant. Last evaluated: 2025-06-22. Review status: criteria provided, single submitter. Criteria: Invitae Variant Classification Sherloc (09022015). Collection method: clinical testing. Allele origin: germline.
Comment: This sequence change replaces histidine, which is basic and polar, with tyrosine, which is neutral and polar, at codon 16 of the GFI1 protein (p.His16Tyr). This variant is not present in population databases (gnomAD no frequency). This variant has not been reported in the literature in individuals affected with GFI1-related conditions. ClinVar contains an entry for this variant (Variation ID: 1422577). An algorithm developed to predict the effect of missense changes on protein structure and function (PolyPhen-2) suggests that this variant is likely to be tolerated. In summary, the available evidence is currently insufficient to determine the role of this variant in disease. Therefore, it has been classified as a Variant of Uncertain Significance.

Ambry Genetics
Classification: Uncertain significance. Last evaluated: 2024-12-24. Review status: criteria provided, single submitter. Criteria: Ambry Variant Classification Scheme 2023. Collection method: clinical testing. Allele origin: germline.